The following is an entry in ClinVar:

NM_003238.6(TGFB2):c.*1315T>G

Genes: TGFB2 (transforming growth factor beta 2; plus strand), TGFB2-OT1 (TGFB2 overlapping transcript 1; plus strand). Cytogenetic location: 1q41.
Variant type: single nucleotide variant.
Coding change: c.*1315T>G on transcript NM_003238.6 (MANE Select); 1315 bases downstream of the stop codon, T replaced by G.
Molecular consequence: 3 prime UTR variant. On other transcripts: non-coding transcript variant (3).
Genome position (GRCh38, 1-based): chr1:218,442,677, T>G. VCF-style: chr1-218442677-T-G. GRCh37 (hg19) VCF-style: chr1-218616019-T-G.
Other names: c.*1315T>G (NM_001135599.4).
Identifiers: ClinVar variation 295515 (VCV000295515.5), dbSNP rs577782618, ClinGen allele CA10609136.

ClinVar aggregate classification (germline): Benign (1 of 4 stars; one submission).

Conditions:
Loeys-Dietz syndrome 4 (LDS4). Also called: ANEURYSM, AORTIC AND CEREBRAL, WITH ARTERIAL TORTUOSITY AND SKELETAL MANIFESTATIONS; TGFB2-Related Loeys-Dietz Syndrome. Identifiers: MedGen C3553762, MONDO:0013897, OMIM 614816.

Allele frequency attached by ClinVar (database versions not stated): gnomAD 0.00214 and 0.00225; TOPMed 0.00273; 1000 Genomes Project 30x 0.00281; 1000 Genomes Project 0.00339.

Submission:

Illumina Laboratory Services, Illumina
Classification: Benign for Loeys-Dietz syndrome 4. Last evaluated: 2018-01-13. Review status: criteria provided, single submitter. Criteria: ICSL Variant Classification Criteria 13 December 2019. Collection method: clinical testing. Allele origin: germline.
Comment: This variant was observed in the ICSL laboratory as part of a predisposition screen in an ostensibly healthy population. It had not been previously curated by ICSL or reported in the Human Gene Mutation Database (HGMD: prior to June 1st, 2018), and was therefore a candidate for classification through an automated scoring system. Utilizing variant allele frequency, disease prevalence and penetrance estimates, and inheritance mode, an automated score was calculated to assess if this variant is too frequent to cause the disease. Based on the score and internal cut-off values, a variant classified as benign is not then subjected to further curation. The score for this variant resulted in a classification of benign for this disease.